The following is an entry in ClinVar:

NM_015272.5(RPGRIP1L):c.3647_3651del (p.Ala1216fs)

Gene: RPGRIP1L (RPGRIP1 like; minus strand). Cytogenetic location: 16q12.2.
Variant type: Microsatellite.
Coding change: c.3647_3651del on transcript NM_015272.5 (MANE Select); coding-DNA positions 3647 to 3651, 5 bases deleted (CAAAG; older notation c.3647_3651delCAAAG).
Protein change: p.Ala1216fs; shifts the reading frame from alanine 1216.
Molecular consequence: frameshift variant.
Genome position (GRCh38, 1-based): chr16:53,611,017-53,611,021, CTTTG deleted on the plus strand (CAAAG on the coding strand, the reverse complement: RPGRIP1L is on the minus strand); deleting any 5 consecutive bases within chr16:53,611,017-53,611,026 gives the same sequence; the c. name uses the placement nearest the transcript's 3' end. VCF-style (leftmost placement, unchanged base first): chr16-53611016-TCTTTG-T. GRCh37 (hg19) VCF-style: chr16-53644928-TCTTTG-T.
Other names: c.3407_3411del, p.Ala1136fs (NM_001127897.4); c.3509_3513del, p.Ala1170fs (NM_001308334.3); c.3545_3549del, p.Ala1182fs (NM_001330538.2); short protein forms A1136fs, A1170fs, A1182fs, A1216fs.
Identifiers: ClinVar variation 949521 (VCV000949521.8), dbSNP rs1964001995, ClinGen allele CA2223255387.

ClinVar aggregate classification (germline): Pathogenic (1 of 4 stars; one submission).

Conditions:
Meckel-Gruber syndrome. Also called: Dysencephalia splachnocystica; DYSENCEPHALIA SPLANCHNOCYSTICA; GRUBER SYNDROME. Identifiers: Orphanet 564, MedGen C0265215, MONDO:0018921.
Joubert syndrome. Also called: Familial aplasia of the vermis; CEREBELLOPARENCHYMAL DISORDER IV; JOUBERT-BOLTSHAUSER SYNDROME. Identifiers: Orphanet 475, MedGen C5979921, MONDO:0018772.

Submission:

Labcorp Genetics (formerly Invitae), Labcorp
Classification: Pathogenic for Joubert syndrome; Meckel-Gruber syndrome. Last evaluated: 2021-07-25. Review status: criteria provided, single submitter. Criteria: Invitae Variant Classification Sherloc (09022015). Collection method: clinical testing. Allele origin: germline.
Comment: For these reasons, this variant has been classified as Pathogenic. ClinVar contains an entry for this variant (Variation ID: 949521). This variant has not been reported in the literature in individuals affected with RPGRIP1L-related conditions. This variant is not present in population databases (ExAC no frequency). This sequence change creates a premature translational stop signal (p.Ala1216Glufs*15) in the RPGRIP1L gene. It is expected to result in an absent or disrupted protein product. Loss-of-function variants in RPGRIP1L are known to be pathogenic (PMID: 17558409).

Literature cited by the submitters: PubMed 17558409.